The following is an entry in ClinVar:

ClinVar aggregate classification (germline): Uncertain significance (1 of 4 stars; one submission).

Submission:

GeneDx
Classification: Uncertain significance. Last evaluated: 2025-02-26. Review status: criteria provided, single submitter. Criteria: GeneDx Variant Classification Process June 2021. Collection method: clinical testing. Allele origin: germline. Affected: yes.
Comment: Not observed at significant frequency in large population cohorts (gnomAD); In silico analysis indicates that this missense variant does not alter protein structure/function; Has not been previously published as pathogenic or benign to our knowledge

NM_020964.3(EPG5):c.2815A>G (p.Ile939Val)

Gene: EPG5 (ectopic P-granules 5 autophagy tethering factor; minus strand). Cytogenetic location: 18q21.1.
Variant type: single nucleotide variant.
Coding change: c.2815A>G on transcript NM_020964.3 (MANE Select); coding-DNA position 2815, A replaced by G.
Protein change: p.Ile939Val; replaces isoleucine 939 with valine.
Molecular consequence: missense variant.
Genome position (GRCh38, 1-based): chr18:45,923,291, T>C on the plus strand (A>G on the coding strand, the complement: EPG5 is on the minus strand). VCF-style: chr18-45923291-T-C. GRCh37 (hg19) VCF-style: chr18-43503257-T-C.
Other names: c.2815A>G, p.Ile939Val (NM_001410858.1, NM_001410859.1); short protein forms I939V.
Identifiers: ClinVar variation 4077283 (VCV004077283.1).
Genomic context (GRCh38, chr18:45,923,291, plus strand): 5'-AAGATTCATGTTTCCAAATCAGAAGAGAAGGAAATACCTGCTTCATACTTTCAGAGAGAA[T>C]CCCAGCATATGGCTTCTGTGCAAGGTACTTCTGATAAGCTTCAAGAACCATTAAAGCCAC-3'
Protein context (NP_066015.2, residues 929-949): KYLAQKPYAG[Ile939Val]LSESMKQVSY